The following is an entry in ClinVar:

ClinVar aggregate classification (germline): Uncertain significance (1 of 4 stars; one submission).

Submission:

Labcorp Genetics (formerly Invitae), Labcorp
Classification: Uncertain significance. Last evaluated: 2025-10-19. Review status: criteria provided, single submitter. Criteria: Invitae Variant Classification Sherloc (09022015). Collection method: clinical testing. Allele origin: germline.
Comment: This sequence change falls in intron 1 of the FXYD2 gene. It does not directly change the encoded amino acid sequence of the FXYD2 protein. It affects a nucleotide within the consensus splice site. This variant is not present in population databases (gnomAD no frequency). This variant has not been reported in the literature in individuals affected with FXYD2-related conditions. Variants that disrupt the consensus splice site are a relatively common cause of aberrant splicing (PMID: 17576681, 9536098). Algorithms developed to predict the effect of sequence changes on RNA splicing suggest that this variant is not likely to affect RNA splicing. In summary, the available evidence is currently insufficient to determine the role of this variant in disease. Therefore, it has been classified as a Variant of Uncertain Significance.

Literature cited by the submitters: PubMed 17576681; PubMed 9536098.

NM_001680.5(FXYD2):c.25+5G>A

Genes: FXYD2 (FXYD domain containing ion transport regulator 2; minus strand), FXYD6-FXYD2 (FXYD6-FXYD2 readthrough; minus strand). Cytogenetic location: 11q23.3.
Variant type: single nucleotide variant.
Coding change: c.25+5G>A on transcript NM_001680.5 (MANE Select); 5 bases into the intron after coding-DNA position 25, G replaced by A.
Molecular consequence: intron variant.
Genome position (GRCh38, 1-based): chr11:117,824,649, C>T on the plus strand (G>A on the coding strand, the complement: FXYD2 is on the minus strand). VCF-style: chr11-117824649-C-T. GRCh37 (hg19) VCF-style: chr11-117695364-C-T.
Other names: c.273-1932G>A (NM_001243598.4); c.260-1932G>A (NM_001204268.3); c.20-1932G>A (NM_021603.4).
Identifiers: ClinVar variation 4729065 (VCV004729065.1).